The following is an entry in ClinVar:

ClinVar aggregate classification (germline): Uncertain significance (1 of 4 stars; one submission).

Allele frequency attached by ClinVar (database versions not stated): gnomAD exomes below 0.00001 and 0.00001.
gnomAD v4.1: 2 of 1,614,084 alleles (0.00012%); highest among the groups gnomAD compares: Admixed American, 0.0033%; no homozygotes.

Submission:

Labcorp Genetics (formerly Invitae), Labcorp
Classification: Uncertain significance. Last evaluated: 2021-11-27. Review status: criteria provided, single submitter. Criteria: Invitae Variant Classification Sherloc (09022015). Collection method: clinical testing. Allele origin: germline.
Comment: This sequence change replaces valine, which is neutral and non-polar, with phenylalanine, which is neutral and non-polar, at codon 661 of the ABCC6 protein (p.Val661Phe). This variant is present in population databases (no rsID available, gnomAD 0.006%). This variant has not been reported in the literature in individuals affected with ABCC6-related conditions. Algorithms developed to predict the effect of missense changes on protein structure and function are either unavailable or do not agree on the potential impact of this missense change (SIFT: "Deleterious"; PolyPhen-2: "Probably Damaging"; Align-GVGD: "Class C0"). In summary, the available evidence is currently insufficient to determine the role of this variant in disease. Therefore, it has been classified as a Variant of Uncertain Significance.

NM_001171.6(ABCC6):c.1981G>T (p.Val661Phe)

Gene: ABCC6 (ATP binding cassette subfamily C member 6; minus strand). Cytogenetic location: 16p13.11.
Variant type: single nucleotide variant.
Coding change: c.1981G>T on transcript NM_001171.6 (MANE Select); coding-DNA position 1981, G replaced by T.
Protein change: p.Val661Phe; replaces valine 661 with phenylalanine.
Molecular consequence: missense variant. On other transcripts: non-coding transcript variant (1).
Genome position (GRCh38, 1-based): chr16:16,182,893, C>A on the plus strand (G>T on the coding strand, the complement: ABCC6 is on the minus strand). VCF-style: chr16-16182893-C-A. GRCh37 (hg19) VCF-style: chr16-16276750-C-A.
Other names: c.1639G>T, p.Val547Phe (NM_001351800.1); short protein forms V661F, V547F.
Identifiers: ClinVar variation 1395373 (VCV001395373.6), dbSNP rs1250519612, ClinGen allele CA394888773.
Genomic context (GRCh38, chr16:16,182,893, plus strand): 5'-ACAGCTCCCCAAGGAGGGCGGACAGCAGGGAGGACTTCCCTGCCCCCACTGGACCGACAA[C>A]AGCCAGCAGACAGCCCTGGGGCACCGTGAGGTTTATTCTGGACACGCAAGAGGGGAGACA-3'
Protein context (NP_001162.5, residues 651-671): LTVPQGCLLA[Val661Phe]VGPVGAGKSS